The following is an entry in ClinVar:

NM_000051.4(ATM):c.2030G>A (p.Ser677Asn)

Gene: ATM (ATM serine/threonine kinase; plus strand). Cytogenetic location: 11q22.3.
Variant type: single nucleotide variant.
Coding change: c.2030G>A on transcript NM_000051.4 (MANE Select); coding-DNA position 2030, G replaced by A.
Protein change: p.Ser677Asn; replaces serine 677 with asparagine.
Molecular consequence: missense variant.
Genome position (GRCh38, 1-based): chr11:108,253,945, G>A. VCF-style: chr11-108253945-G-A. GRCh37 (hg19) VCF-style: chr11-108124672-G-A.
Other names: c.2030G>A, p.Ser677Asn (NM_001351834.2); short protein forms S677N.
Identifiers: ClinVar variation 965723 (VCV000965723.11), dbSNP rs2080308052, ClinGen allele CA382537379.
Genomic context (GRCh38, chr11:108,253,945, plus strand): 5'-TTGACAAGATGGACTTTTTAACCATTGTGAGAGAATGTGGTATAGAAAAGCACCAGTCCA[G>A]TATTGGCTTCTCTGTCCACCAGAATCTCAAGGAATCACTGGATCGCTGTCTTCTGGGATT-3'
Protein context (NP_000042.3, residues 667-687): RECGIEKHQS[Ser677Asn]IGFSVHQNLK

ClinVar aggregate classification (germline): Uncertain significance. Review status: criteria provided, multiple submitters, no conflicts (2 of 4 stars). 3 submissions from 3 submitters: Uncertain significance (3). Last evaluated 2024-08-13.

Conditions:
Hereditary cancer-predisposing syndrome. Also called: Hereditary neoplastic syndrome; Hereditary Cancer Syndrome; Tumor predisposition; Neoplastic Syndromes, Hereditary. Identifiers: Orphanet 140162, MedGen C0027672, MeSH D009386, MONDO:0015356.
Ataxia-telangiectasia syndrome (AT). Also called: ATAXIA-TELANGIECTASIA, FRESNO VARIANT; Ataxia-telangiectasia, complementation group E; Ataxia telangiectasia (A-T); LOUIS-BAR SYNDROME; Ataxia-telangiectasia, complementation group D; AT, COMPLEMENTATION GROUP C. Identifiers: Orphanet 100, MedGen C0004135, MONDO:0008840, OMIM 208900.

Allele frequency attached by ClinVar (database versions not stated): gnomAD exomes below 0.00001; TOPMed below 0.00001.
gnomAD v4.1: 2 of 1,614,110 alleles (0.00012%); highest among the groups gnomAD compares: Non-Finnish European, 0.00017%; no homozygotes.

Submissions (3):

Ambry Genetics
Classification: Uncertain significance for Hereditary cancer-predisposing syndrome. Last evaluated: 2024-08-13. Review status: criteria provided, single submitter. Criteria: Ambry Variant Classification Scheme 2023. Collection method: clinical testing. Allele origin: germline.
Comment: The p.S677N variant (also known as c.2030G>A), located in coding exon 12 of the ATM gene, results from a G to A substitution at nucleotide position 2030. The serine at codon 677 is replaced by asparagine, an amino acid with highly similar properties. This amino acid position is not well conserved in available vertebrate species. In addition, this alteration is predicted to be tolerated by in silico analysis. Based on the available evidence, the clinical significance of this variant remains unclear.

Labcorp Genetics (formerly Invitae), Labcorp
Classification: Uncertain significance for Ataxia-telangiectasia syndrome. Last evaluated: 2023-08-27. Review status: criteria provided, single submitter. Criteria: Invitae Variant Classification Sherloc (09022015). Collection method: clinical testing. Allele origin: germline.
Comment: Algorithms developed to predict the effect of missense changes on protein structure and function output the following: SIFT: "Not Available"; PolyPhen-2: "Benign"; Align-GVGD: "Not Available". The asparagine amino acid residue is found in multiple mammalian species, which suggests that this missense change does not adversely affect protein function. Algorithms developed to predict the effect of sequence changes on RNA splicing suggest that this variant may create or strengthen a splice site. In summary, the available evidence is currently insufficient to determine the role of this variant in disease. Therefore, it has been classified as a Variant of Uncertain Significance. ClinVar contains an entry for this variant (Variation ID: 965723). This variant has not been reported in the literature in individuals affected with ATM-related conditions. This variant is not present in population databases (gnomAD no frequency). This sequence change replaces serine, which is neutral and polar, with asparagine, which is neutral and polar, at codon 677 of the ATM protein (p.Ser677Asn).

Women's Health and Genetics/Laboratory Corporation of America, LabCorp
Classification: Uncertain significance. Last evaluated: 2023-06-20. Review status: criteria provided, single submitter. Criteria: LabCorp Variant Classification Summary - May 2015. Collection method: clinical testing. Allele origin: germline.
Comment: Variant summary: ATM c.2030G>A (p.Ser677Asn) results in a conservative amino acid change in the encoded protein sequence. Five of five in-silico tools predict a benign effect of the variant on protein function. The variant allele was not found in 251404 control chromosomes in GnomAD, however, it was reported at an allelic frequency of 0.00004 in 24980 control chromosomes in a Japanese case-control study (Momozawa_2018). The available data on variant occurrences in the general population are insufficient to allow any conclusion about variant significance. To our knowledge, no occurrence of c.2030G>A in individuals affected with Breast Cancer and no experimental evidence demonstrating its impact on protein function have been reported. The following publication has been ascertained in the context of this evaluation (PMID: 30287823). Two submitters have cited clinical-significance assessments (both uncertain significance) for this variant to ClinVar after 2014. Based on the evidence outlined above, the variant was classified as uncertain significance.

Literature cited by the submitters: PubMed 30287823 (cited by Women's Health and Genetics/Laboratory Corporation of America, LabCorp).